The following is an entry in ClinVar:

NM_001904.4(CTNNB1):c.998dup (p.Tyr333Ter)

Gene: CTNNB1 (catenin beta 1; plus strand). Cytogenetic location: 3p22.1.
Variant type: Duplication.
Coding change: c.998dup on transcript NM_001904.4 (MANE Select); coding-DNA position 998, one base duplicated (A; older notation c.998dupA).
Protein change: p.Tyr333Ter; replaces tyrosine 333 with a stop codon.
Molecular consequence: nonsense.
Genome position (GRCh38, 1-based): chr3:41,227,269, A duplicated. VCF-style (leftmost placement, unchanged base first): chr3-41227268-T-TA. GRCh37 (hg19) VCF-style: chr3-41268759-T-TA.
Other names: c.998dup, p.Tyr333Ter (NM_001098209.2, NM_001098210.2); c.977dup, p.Tyr326Ter (NM_001330729.2); c.998dup (NM_001098210.1, NM_001904.3); short protein forms Y326*, Y333*.
Identifiers: ClinVar variation 279956 (VCV000279956.59), dbSNP rs886041281, ClinGen allele CA10602890.

ClinVar aggregate classification (germline): Pathogenic. Review status: criteria provided, multiple submitters, no conflicts (2 of 4 stars). 11 submissions from 11 submitters: Pathogenic (10). 1 of the submissions does not count toward it. Last evaluated 2025-04-12.

Conditions:
CTNNB1-related disorder. Also called: CTNNB1-related condition.
Severe intellectual disability-progressive spastic diplegia syndrome (NEDSDV). Also called: NEURODEVELOPMENTAL DISORDER WITH SPASTIC DIPLEGIA AND VISUAL DEFECTS; CTNNB1 Neurodevelopmental Disorder. Identifiers: Orphanet 404473, MedGen C3554449, MONDO:0014035, OMIM 615075.

Submissions (11):

Dasa
Classification: Pathogenic. Last evaluated: 2025-04-12. Review status: criteria provided, single submitter. Criteria: DASA Assertion Criteria. Collection method: clinical testing. Allele origin: germline.
Comment: NM_001904.4(CTNNB1):c.998dup (p.Tyr333*) introduces a premature termination codon predicted to result in loss of normal protein function. Loss-of-function is an established mechanism of disease for this gene. De novo occurrence has been reported in an individual with related phenotype. This variant has been recurrently observed in individuals with related phenotype (PMID: 26502894; PMID: 27915094; PMID: 31785789; PMID: 28726809; PMID: 25533962). The variant is present at low frequency in population datasets. Based on the available data, this variant is classified as pathogenic.

GeneDx
Classification: Pathogenic. Last evaluated: 2024-12-23. Review status: criteria provided, single submitter. Criteria: GeneDx Variant Classification Process June 2021. Collection method: clinical testing. Allele origin: germline. Affected: yes.
Comment: Nonsense variant predicted to result in protein truncation or nonsense mediated decay in a gene for which loss of function is a known mechanism of disease; Not observed at significant frequency in large population cohorts (gnomAD); This variant is associated with the following publications: (PMID: 33057194, 37455656, 36083290, 27915094, 28726809, 26502894, 28135719, 38847106, 36293418, 28191889, 33004838, 33528536, 31785789, 35982159, 39074398)

CeGaT Center for Human Genetics Tuebingen
Classification: Pathogenic. Last evaluated: 2024-07-01. Review status: criteria provided, single submitter. Criteria: CeGaT Center For Human Genetics Tuebingen Variant Classification Criteria Version 2. Collection method: clinical testing. Allele origin: germline. Affected: yes. Observed: 2 variant alleles.
Comment: CTNNB1: PVS1, PM2, PS2:Moderate, PS4:Moderate

Blueprint Genetics
Classification: Pathogenic for CTNNB1-related disorders. Last evaluated: 2023-09-08. Review status: criteria provided, single submitter. Criteria: ACMG Guidelines, 2015. Collection method: clinical testing. Allele origin: germline. Affected: yes. Observed: 2 variant alleles.

PreventionGenetics, part of Exact Sciences
Classification: Pathogenic for CTNNB1-related condition. Last evaluated: 2022-11-07. Review status: criteria provided, single submitter. Criteria: ACMG Guidelines, 2015. Collection method: clinical testing. Allele origin: germline.
Comment: The CTNNB1 c.998dupA variant is predicted to result in premature protein termination (p.Tyr333*). This variant has been reported to occur de novo in individuals with CTNNB1-related neurodevelopmental disorders (Supp. Figure 31 in Prasad et al 2016. PubMed ID: 26502894; Patient 10 in Kharbanda M et al 2016. PubMed ID: 27915094; Proband 12 in Strauss KA et al 2017. PubMed ID: 28726809; Table S2 in Turner TN et al 2019. PubMed ID: 31785789). This variant has not been reported in a large population database, indicating this variant is rare. Nonsense variants in CTNNB1 are expected to be pathogenic. This variant is interpreted as pathogenic.

Clinical Genetics Laboratory, Skane University Hospital Lund
Classification: Pathogenic. Last evaluated: 2022-05-27. Review status: criteria provided, single submitter. Criteria: ACMG Guidelines, 2015. Collection method: clinical testing. Allele origin: germline. Affected: yes.

3billion
Classification: Pathogenic for Severe intellectual disability-progressive spastic diplegia syndrome. Last evaluated: 2022-01-03. Review status: criteria provided, single submitter. Criteria: ACMG Guidelines, 2015. Collection method: clinical testing. Allele origin: germline. Affected: yes. Observed: 1 heterozygote.
Comment: Stop-gained (nonsense): predicted to result in a loss or disruption of normal protein function through nonsense-mediated decay (NMD) or protein truncation. Multiple pathogenic variants are reported downstream of the variant (PVS1_VS).The variant has been reported at least twice as pathogenic/likely pathogenic with clinical assertions and evidence for the classification (ClinVar ID: VCV000279956, PMID:26502894, 3billion dataset). It is not observed in the gnomAD v2.1.1 dataset (PM2_M). The variant has been previously reported as de novo in a similarly affected individual (PMID: 25533962, PS2_S). Therefore, this variant is classified as pathogenic according to the recommendation of ACMG/AMP guideline.

Labcorp Genetics (formerly Invitae), Labcorp
Classification: Pathogenic. Last evaluated: 2021-12-20. Review status: criteria provided, single submitter. Criteria: Invitae Variant Classification Sherloc (09022015). Collection method: clinical testing. Allele origin: germline.
Comment: This sequence change creates a premature translational stop signal (p.Tyr333*) in the CTNNB1 gene. It is expected to result in an absent or disrupted protein product. Loss-of-function variants in CTNNB1 are known to be pathogenic (PMID: 23033978, 24614104, 25326669, 26350204, 28575650). This variant is not present in population databases (gnomAD no frequency). This premature translational stop signal has been observed in individual(s) with CTNNB1-related conditions (PMID: 26502894, 27915094). ClinVar contains an entry for this variant (Variation ID: 279956). For these reasons, this variant has been classified as Pathogenic.

Institute of Human Genetics, University of Leipzig Medical Center
Classification: Pathogenic for Severe intellectual disability-progressive spastic diplegia syndrome. Last evaluated: 2021-10-13. Review status: criteria provided, single submitter. Criteria: ACMG Guidelines, 2015. Collection method: clinical testing. Allele origin: unknown. Affected: yes.
Comment: _x000D_ Criteria applied: PVS1, PS2, PS4_MOD, PM2_SUP

Institute of Medical Genetics and Applied Genomics, University Hospital Tübingen
Classification: Pathogenic. Last evaluated: 2021-06-17. Review status: criteria provided, single submitter. Criteria: ACMG Guidelines, 2015. Collection method: clinical testing. Allele origin: germline. Inheritance: Autosomal dominant inheritance. Affected: yes.

Biochemical Molecular Genetic Laboratory, King Abdulaziz Medical City
Classification: Pathogenic for Severe intellectual disability-progressive spastic diplegia syndrome. Last evaluated: 2019-09-26. Review status: no assertion criteria provided. Collection method: clinical testing. Allele origin: germline. Affected: yes. Not counted in ClinVar's aggregate classification.

Literature cited by the submitters: PubMed 26502894 (cited by 3 submitters); PubMed 27915094 (cited by Dasa and Labcorp Genetics (formerly Invitae), Labcorp); PubMed 31785789 (cited by Dasa); PubMed 28726809 (cited by Dasa); PubMed 25533962 (cited by Dasa and 3billion); PubMed 23033978 (cited by Labcorp Genetics (formerly Invitae), Labcorp); PubMed 24614104 (cited by Labcorp Genetics (formerly Invitae), Labcorp); PubMed 25326669 (cited by Labcorp Genetics (formerly Invitae), Labcorp); PubMed 26350204 (cited by Labcorp Genetics (formerly Invitae), Labcorp); PubMed 28575650 (cited by Labcorp Genetics (formerly Invitae), Labcorp).